The following is an entry in ClinVar:

ClinVar aggregate classification (germline): Pathogenic. Review status: criteria provided, multiple submitters, no conflicts (2 of 4 stars). 3 submissions from 3 submitters: Pathogenic (3). Last evaluated 2025-08-30.

Conditions:
Griscelli syndrome type 2 (GS2). Also called: PAID SYNDROME; PARTIAL ALBINISM AND IMMUNODEFICIENCY SYNDROME; GRISCELLI SYNDROME WITH HEMOPHAGOCYTIC SYNDROME. Identifiers: Orphanet 381, Orphanet 79477, MedGen C1868679, MONDO:0011872, OMIM 607624.
Inborn genetic diseases. Identifiers: MedGen C0950123, MeSH D030342.

Submissions (3):

Labcorp Genetics (formerly Invitae), Labcorp
Classification: Pathogenic for Griscelli syndrome type 2. Last evaluated: 2025-08-30. Review status: criteria provided, single submitter. Criteria: Invitae Variant Classification Sherloc (09022015). Collection method: clinical testing. Allele origin: germline.
Comment: This sequence change creates a premature translational stop signal (p.Pro126Glnfs*3) in the RAB27A gene. It is expected to result in an absent or disrupted protein product. Loss-of-function variants in RAB27A are known to be pathogenic (PMID: 10835631, 23160464). This variant is not present in population databases (gnomAD no frequency). This variant has not been reported in the literature in individuals affected with RAB27A-related conditions. ClinVar contains an entry for this variant (Variation ID: 950420). For these reasons, this variant has been classified as Pathogenic.

Ambry Genetics
Classification: Pathogenic for Inborn genetic diseases. Last evaluated: 2022-06-17. Review status: criteria provided, single submitter. Criteria: Ambry Variant Classification Scheme 2023. Collection method: clinical testing. Allele origin: germline.
Comment: The c.377delC (p.P126Qfs*3) alteration, located in exon 5 (coding exon 4) of the RAB27A gene, consists of a deletion of one nucleotide at position 377, causing a translational frameshift with a predicted alternate stop codon after 3 amino acids. This alteration is expected to result in loss of function by premature protein truncation or nonsense-mediated mRNA decay. This variant was not reported in population-based cohorts in the Genome Aggregation Database (gnomAD). This alteration has been detected in the homozygous state in an individual with Griscelli syndrome (Tengsujaritkul, 2022). It has also been detected in conjunction with another RAB27A alteration in an individual with primary hemophagocytic lymphohistiocytosis, which is part of the spectrum of Griscelli syndrome (Zhang, 2020). Based on the available evidence, this alteration is classified as pathogenic.

Juno Genomics, Hangzhou Juno Genomics, Inc
Classification: Pathogenic for Griscelli syndrome type 2. Review status: criteria provided, single submitter. Criteria: ACMG Guidelines, 2015. Collection method: clinical testing. Allele origin: germline.
Comment: Absent from controls (or at extremely low frequency if recessive) in Genome Aggregation Database.;Null variant in a gene where loss of function (LOF) is a known mechanism of disease.;For recessive disorders, detected in trans with a pathogenic variant.

Literature cited by the submitters: PubMed 10835631 (cited by Labcorp Genetics (formerly Invitae), Labcorp); PubMed 23160464 (cited by Labcorp Genetics (formerly Invitae), Labcorp); PubMed 32375849 (cited by Ambry Genetics); PubMed 34796988 (cited by Ambry Genetics).

NM_183235.3(RAB27A):c.377del (p.Pro126fs)

Gene: RAB27A (RAB27A, member RAS oncogene family; minus strand). Cytogenetic location: 15q21.3.
Variant type: Deletion.
Coding change: c.377del on transcript NM_183235.3 (MANE Select); coding-DNA position 377, one base deleted (C; older notation c.377delC).
Protein change: p.Pro126fs; shifts the reading frame from proline 126.
Molecular consequence: frameshift variant.
Genome position (GRCh38, 1-based): chr15:55,223,979, G deleted on the plus strand (C on the coding strand, the reverse complement: RAB27A is on the minus strand); the first of 3 consecutive G bases (chr15:55,223,979-55,223,981); deleting any one gives the same sequence. VCF-style (leftmost placement, unchanged base first): chr15-55223978-TG-T. GRCh37 (hg19) VCF-style: chr15-55516176-TG-T.
Other names: c.375delC, p.Pro126Glnfs (NM_183234.3); c.377del, p.Pro126fs (NM_183236.3, NM_004580.5); c.377delC (NM_004580.4); short protein forms P126fs.
Identifiers: ClinVar variation 950420 (VCV000950420.10), dbSNP rs1895696380, ClinGen allele CA1139664000.